The following is an entry in ClinVar:

ClinVar aggregate classification (germline): Uncertain significance (1 of 4 stars; one submission).

Submission:

GeneDx
Classification: Uncertain significance. Last evaluated: 2026-03-23. Review status: criteria provided, single submitter. Criteria: GeneDx Variant Classification Process June 2021. Collection method: clinical testing. Allele origin: germline.
Comment: Not observed at significant frequency in large population cohorts (gnomAD); In silico analysis suggests that this missense variant does not alter protein structure/function; Has not been previously published as pathogenic or benign to our knowledge

NM_002500.5(NEUROD1):c.871G>T (p.Ala291Ser)

Gene: NEUROD1 (neuronal differentiation 1; minus strand). Cytogenetic location: 2q31.3.
Variant type: single nucleotide variant.
Coding change: c.871G>T on transcript NM_002500.5 (MANE Select); coding-DNA position 871, G replaced by T.
Protein change: p.Ala291Ser; replaces alanine 291 with serine.
Molecular consequence: missense variant.
Genome position (GRCh38, 1-based): chr2:181,677,990, C>A on the plus strand (G>T on the coding strand, the complement: NEUROD1 is on the minus strand). VCF-style: chr2-181677990-C-A. GRCh37 (hg19) VCF-style: chr2-182542717-C-A.
Other names: short protein forms A291S.
Identifiers: ClinVar variation 5017297 (VCV005017297.1).